The following is an entry in ClinVar:

ClinVar aggregate classification (germline): Conflicting classifications of pathogenicity. Review status: criteria provided, conflicting classifications (1 of 4 stars). 2 submissions from 2 submitters: Likely pathogenic (1); Uncertain significance (1). Last evaluated 2023-06-12.

Conditions:
Muscular dystrophy, limb-girdle, autosomal recessive 23. Identifiers: Orphanet 565837, MedGen C4748327, MONDO:0029136, OMIM 618138.

Allele frequency attached by ClinVar (database versions not stated): TOPMed 0.00001.

Submissions (2):

3billion
Classification: Uncertain significance for Muscular dystrophy, limb-girdle, autosomal recessive 23. Last evaluated: 2023-06-12. Review status: criteria provided, single submitter. Criteria: ACMG Guidelines, 2015. Collection method: clinical testing. Allele origin: germline. Affected: yes.
Comment: The variant is not observed in the gnomAD v2.1.1 dataset. Predicted Consequence/Location: Missense variant predicted to alter splicing. Protein truncation variants are a common disease-causing mechanism. In silico tool predictions suggest damaging effect of the variant on gene or gene product (REVEL: 0.56; 3Cnet: 0.73; SpliceAI: 0.98). Same nucleotide change resulting in same amino acid change has been previously reported to be associated with LAMA2-related disorder (ClinVar ID: VCV000422392). However, the evidence of pathogenicity is insufficient at this time. Therefore, this variant is classified as VUS according to the recommendation of ACMG/AMP guideline.

GeneDx
Classification: Likely pathogenic. Last evaluated: 2016-11-11. Review status: criteria provided, single submitter. Criteria: GeneDx Variant Classification (06012015). Collection method: clinical testing. Allele origin: germline. Affected: yes.
Comment: The L2818V variant in the LAMA2 gene has not been reported previously as a pathogenic variant, nor as a benignvariant, to our knowledge. The L2818V variant was not observed in approximately 6500 individuals of European andAfrican American ancestry in the NHLBI Exome Sequencing Project, indicating it is not a common benign variant inthese populations. The L2818V variant is a conservative amino acid substitution, which is not likely to impactsecondary protein structure as these residues share similar properties. This substitution occurs at a position whereamino acids with similar properties to Leucine are tolerated across species. In silico analysis is inconsistent in itspredictions as to whether or not the variant is damaging to the protein structure/function. s an alternate mechanism,multiple in silico algorithms predict that c.8452 C>G (aka p.Leu2818Val) may create a cryptic splice donor site forintron 60 which may supplant the natural donor site. However, in the absence of RNA/functional studies, the actualeffect of c.8452 C>G in this individual is unknown. We interpret L2818V as a variant of uncertain significance.

NM_000426.4(LAMA2):c.8452C>G (p.Leu2818Val)

Gene: LAMA2 (laminin subunit alpha 2; plus strand). Cytogenetic location: 6q22.33.
Variant type: single nucleotide variant.
Coding change: c.8452C>G on transcript NM_000426.4 (MANE Select); coding-DNA position 8452, C replaced by G.
Protein change: p.Leu2818Val; replaces leucine 2818 with valine.
Molecular consequence: missense variant.
Genome position (GRCh38, 1-based): chr6:129,503,185, C>G. VCF-style: chr6-129503185-C-G. GRCh37 (hg19) VCF-style: chr6-129824330-C-G.
Other names: c.8440C>G, p.Leu2814Val (NM_001079823.2); short protein forms L2818V, L2814V.
Identifiers: ClinVar variation 422392 (VCV000422392.3), dbSNP rs1064795750, ClinGen allele CA16618243.
Genomic context (GRCh38, chr6:129,503,185, plus strand): 5'-GAATCCGGCTTGCTTTTTTACATGGCTCGCATCAATCATGCTGATTTTGCAACAGTTCAG[C>G]TGAGAAATGGATTGCCCTACTTCAGCTATGACTTGGGGAGTGGGGACACCCACACCATGA-3'
Protein context (NP_000417.3, residues 2808-2828): INHADFATVQ[Leu2818Val]RNGLPYFSYD